The following is an entry in ClinVar:

ClinVar aggregate classification (germline): Uncertain significance. Review status: criteria provided, multiple submitters, no conflicts (2 of 4 stars). 2 submissions from 2 submitters: Uncertain significance (2). Last evaluated 2025-08-29.

Conditions:
Cardiomyopathy (CMYO). Also called: Cardiomyopathies. Identifiers: Orphanet 167848, MedGen C0878544, MONDO:0004994, HP:0001638. Inheritance: Various modes of inheritance.
Catecholaminergic polymorphic ventricular tachycardia 1. Also called: VENTRICULAR TACHYCARDIA, CATECHOLAMINERGIC POLYMORPHIC, 1, WITH OR WITHOUT ATRIAL DYSFUNCTION AND/OR DILATED CARDIOMYOPATHY; RYR2-Related Catecholaminergic Polymorphic Ventricular Tachycardia; VENTRICULAR TACHYCARDIA, STRESS-INDUCED POLYMORPHIC 1. Identifiers: Orphanet 3286, MedGen C1631597, MONDO:0011484, OMIM 604772.

gnomAD v4.1: 3 of 1,613,956 alleles (0.00019%); highest among the groups gnomAD compares: Non-Finnish European, 0.00025%; no homozygotes.

Submissions (2):

Labcorp Genetics (formerly Invitae), Labcorp
Classification: Uncertain significance for Catecholaminergic polymorphic ventricular tachycardia 1. Last evaluated: 2025-08-29. Review status: criteria provided, single submitter. Criteria: Invitae Variant Classification Sherloc (09022015). Collection method: clinical testing. Allele origin: germline.
Comment: This sequence change replaces arginine, which is basic and polar, with glycine, which is neutral and non-polar, at codon 1133 of the RYR2 protein (p.Arg1133Gly). This variant is not present in population databases (gnomAD no frequency). This variant has not been reported in the literature in individuals affected with RYR2-related conditions. ClinVar contains an entry for this variant (Variation ID: 919645). Invitae Evidence Modeling of protein sequence and biophysical properties (such as structural, functional, and spatial information, amino acid conservation, physicochemical variation, residue mobility, and thermodynamic stability) indicates that this missense variant is not expected to disrupt RYR2 protein function with a negative predictive value of 95%. In summary, the available evidence is currently insufficient to determine the role of this variant in disease. Therefore, it has been classified as a Variant of Uncertain Significance.

Color Diagnostics, LLC DBA Color Health
Classification: Uncertain significance for Cardiomyopathy. Last evaluated: 2023-12-04. Review status: criteria provided, single submitter. Criteria: ACMG Guidelines, 2015. Collection method: clinical testing. Allele origin: germline.
Comment: This missense variant replaces arginine with glycine at codon 1133 of the RYR2 protein. Computational prediction suggests that this variant may not impact protein structure and function (internally defined REVEL score threshold <= 0.5, PMID: 27666373). To our knowledge, functional studies have not been reported for this variant. This variant has not been reported in individuals affected with RYR2-related disorders in the literature. This variant has not been identified in the general population by the Genome Aggregation Database (gnomAD). The available evidence is insufficient to determine the role of this variant in disease conclusively. Therefore, this variant is classified as a Variant of Uncertain Significance.

NM_001035.3(RYR2):c.3397C>G (p.Arg1133Gly)

Gene: RYR2 (ryanodine receptor 2; plus strand). Cytogenetic location: 1q43.
Variant type: single nucleotide variant.
Coding change: c.3397C>G on transcript NM_001035.3 (MANE Select); coding-DNA position 3397, C replaced by G.
Protein change: p.Arg1133Gly; replaces arginine 1133 with glycine.
Molecular consequence: missense variant.
Genome position (GRCh38, 1-based): chr1:237,566,749, C>G. VCF-style: chr1-237566749-C-G. GRCh37 (hg19) VCF-style: chr1-237730049-C-G.
Other names: short protein forms R1133G.
Identifiers: ClinVar variation 919645 (VCV000919645.7), dbSNP rs748085424, ClinGen allele CA345398848.
Genomic context (GRCh38, chr1:237,566,749, plus strand): 5'-ATGAGGGTTGGTTGGAGTCGTCCTGGTTGTCAACCGGATCAGGAGCTTGGCTCAGATGAA[C>G]GTGCCTTTGCCTTTGATGGCTTCAAGGTGAGTGGACTTTGTCCTGTGCCAGTCATCTGTA-3'
Protein context (NP_001026.2, residues 1123-1143): QPDQELGSDE[Arg1133Gly]AFAFDGFKAQ